The following is an entry in ClinVar:

ClinVar aggregate classification (germline): Uncertain significance (1 of 4 stars; one submission).

Conditions:
Familial sleep-related hypermotor epilepsy. Also called: Autosomal Dominant Sleep-Related Hypermotor (Hyperkinetic) Epilepsy. Identifiers: Orphanet 98784, MedGen C3696898, MONDO:0000030.

Submission:

Labcorp Genetics (formerly Invitae), Labcorp
Classification: Uncertain significance. Last evaluated: 2025-06-08. Review status: criteria provided, single submitter. Criteria: Invitae Variant Classification Sherloc (09022015). Collection method: clinical testing. Allele origin: germline.
Comment: This sequence change replaces aspartic acid, which is acidic and polar, with histidine, which is basic and polar, at codon 421 of the CHRNA2 protein (p.Asp421His). Information on the frequency of this variant in the gnomAD database is not available, as this variant may be reported differently in the database. This variant has not been reported in the literature in individuals affected with CHRNA2-related conditions. ClinVar contains an entry for this variant (Variation ID: 1936287). Experimental studies and prediction algorithms are not available or were not evaluated, and the functional significance of this variant is currently unknown. In summary, the available evidence is currently insufficient to determine the role of this variant in disease. Therefore, it has been classified as a Variant of Uncertain Significance.

NM_000742.4(CHRNA2):c.1260_1261delinsAC (p.Asp421His)

Gene: CHRNA2 (cholinergic receptor nicotinic alpha 2 subunit; minus strand). Cytogenetic location: 8p21.2.
Variant type: Indel.
Coding change: c.1260_1261delinsAC on transcript NM_000742.4 (MANE Select); coding-DNA positions 1260 to 1261, GG replaced by AC.
Protein change: p.Asp421His; replaces aspartic acid 421 with histidine.
Molecular consequence: missense variant.
Genome position (GRCh38, 1-based): chr8:27,463,182-27,463,183, CC replaced by GT on the plus strand (GG replaced by AC on the coding strand, the reverse complement: CHRNA2 is on the minus strand). VCF-style: chr8-27463182-CC-GT. GRCh37 (hg19) VCF-style: chr8-27320699-CC-GT.
Other names: c.1215_1216delinsAC, p.Asp406His (NM_001282455.2); c.783_784delinsAC, p.Asp262His (NM_001347705.2, NM_001347706.2); c.666_667delinsAC, p.Asp223His (NM_001347707.2, NM_001347708.2); short protein forms D223H, D262H, D406H, D421H.
Identifiers: ClinVar variation 1936287 (VCV001936287.5), dbSNP rs2490534291, ClinGen allele CA2580078093.